The following is an entry in ClinVar:

NM_001159773.2(CANT1):c.1177G>T (p.Val393Leu)

Gene: CANT1 (calcium activated nucleotidase 1; minus strand). Cytogenetic location: 17q25.3.
Variant type: single nucleotide variant.
Coding change: c.1177G>T on transcript NM_001159773.2 (MANE Select); coding-DNA position 1177, G replaced by T.
Protein change: p.Val393Leu; replaces valine 393 with leucine.
Molecular consequence: missense variant.
Genome position (GRCh38, 1-based): chr17:78,993,579, C>A on the plus strand (G>T on the coding strand, the complement: CANT1 is on the minus strand). VCF-style: chr17-78993579-C-A. GRCh37 (hg19) VCF-style: chr17-76989661-C-A.
Other names: c.1177G>T, p.Val393Leu (NM_001159772.2, NM_138793.4); short protein forms V393L.
Identifiers: ClinVar variation 1474978 (VCV001474978.8), dbSNP rs567259834, ClinGen allele CA8808493.
Genomic context (GRCh38, chr17:78,993,579, plus strand): 5'-TGATGGCCTTGCTCAGTGTTTCCGTTTTGAGTTAAATGAACTCGATGCCTTCGTATTTCA[C>A]GCTTCCGATCTTGGTCTCCGGCAACAGGAAGCGCCCGTCCAGCGTGAAGGCCATGATGTA-3'
Protein context (NP_001153245.1, residues 383-401): FLLPETKIGS[Val393Leu]KYEGIEFI

ClinVar aggregate classification (germline): Uncertain significance (1 of 4 stars; one submission).

Allele frequency attached by ClinVar (database versions not stated): gnomAD exomes below 0.00001; ExAC 0.00001.

Submission:

Labcorp Genetics (formerly Invitae), Labcorp
Classification: Uncertain significance. Last evaluated: 2023-10-13. Review status: criteria provided, single submitter. Criteria: Invitae Variant Classification Sherloc (09022015). Collection method: clinical testing. Allele origin: germline.
Comment: This sequence change replaces valine, which is neutral and non-polar, with leucine, which is neutral and non-polar, at codon 393 of the CANT1 protein (p.Val393Leu). This variant is present in population databases (rs567259834, gnomAD 0.007%). This variant has not been reported in the literature in individuals affected with CANT1-related conditions. ClinVar contains an entry for this variant (Variation ID: 1474978). Advanced modeling of protein sequence and biophysical properties (such as structural, functional, and spatial information, amino acid conservation, physicochemical variation, residue mobility, and thermodynamic stability) performed at Invitae indicates that this missense variant is not expected to disrupt CANT1 protein function. In summary, the available evidence is currently insufficient to determine the role of this variant in disease. Therefore, it has been classified as a Variant of Uncertain Significance.